The following is an entry in ClinVar:

NM_001368882.1(COL13A1):c.1503dup (p.Gly502fs)

Gene: COL13A1 (collagen type XIII alpha 1 chain; plus strand). Cytogenetic location: 10q22.1.
Variant type: Duplication.
Coding change: c.1503dup on transcript NM_001368882.1 (MANE Select); coding-DNA position 1503, one base duplicated (A; older notation c.1503dupA).
Protein change: p.Gly502fs; shifts the reading frame from glycine 502.
Molecular consequence: frameshift variant.
Genome position (GRCh38, 1-based): chr10:69,930,060, A duplicated. VCF-style (leftmost placement, unchanged base first): chr10-69930059-C-CA. GRCh37 (hg19) VCF-style: chr10-71689815-C-CA.
Other names: c.1470dup, p.Gly491fs (NM_001130103.2); c.1440dup, p.Gly481fs (NM_001320951.2, NM_001368884.1); c.1467dup, p.Gly490fs (NM_001368883.1); c.1404dup, p.Gly469fs (NM_001368885.1, NM_080801.4, NM_080802.4); c.840dup, p.Gly281fs (NM_001368886.1); c.1413dup, p.Gly472fs (NM_001368895.1, NM_080800.4); c.1299dup, p.Gly434fs (NM_001368896.1, NM_001368898.1, NM_080798.4); c.1326dup, p.Gly443fs (NM_001368897.1); and 1 more; short protein forms G469fs, G281fs, G440fs, G491fs, G434fs, G472fs, G490fs, G502fs.
Identifiers: ClinVar variation 423752 (VCV000423752.2), dbSNP rs1554967575, ClinGen allele CA16618974.

ClinVar aggregate classification (germline): Pathogenic (1 of 4 stars; one submission).

Submission:

GeneDx
Classification: Pathogenic. Last evaluated: 2017-03-02. Review status: criteria provided, single submitter. Criteria: GeneDx Variant Classification (06012015). Collection method: clinical testing. Allele origin: germline. Affected: yes.
Comment: The c.1470dupA variant in the COL13A1 gene has not been reported previously as a pathogenic variant nor as a benign variant, to our knowledge. The c.1470dupA variant causes a frameshift starting with codon Glycine 491, changes this amino acid to an Arginine residue, and creates a premature Stop codon at position 14 of the new reading frame, denoted p.Gly491ArgfsX14. This variant is predicted to cause loss of normal protein function either through protein truncation or nonsense-mediated mRNA decay. The c.1470dupA variant is not observed in large population cohorts (Lek et al., 2016; 1000 Genomes Consortium et al., 2015; Exome Variant Server). We interpret c.1470dupA as a pathogenic variant.